The following is an entry in ClinVar:

NM_033100.4(CDHR1):c.415C>G (p.Pro139Ala)

Gene: CDHR1 (cadherin related family member 1; plus strand). Cytogenetic location: 10q23.1.
Variant type: single nucleotide variant.
Coding change: c.415C>G on transcript NM_033100.4 (MANE Select); coding-DNA position 415, C replaced by G.
Protein change: p.Pro139Ala; replaces proline 139 with alanine.
Molecular consequence: missense variant.
Genome position (GRCh38, 1-based): chr10:84,199,098, C>G. VCF-style: chr10-84199098-C-G. GRCh37 (hg19) VCF-style: chr10-85958854-C-G.
Other names: c.415C>G, p.Pro139Ala (NM_001171971.3); short protein forms P139A.
Identifiers: ClinVar variation 423067 (VCV000423067.9), dbSNP rs192282380, ClinGen allele CA5579529.
Genomic context (GRCh38, chr10:84,199,098, plus strand): 5'-GAAAAAGTCGTGATCCTGGTGACCGATGCCAATGATGAGGCGCCCAGGTTCATCCAGGAG[C>G]CTTATGTTGCCCTGGTTCCCGAGGTAAGTGAGGAGCTGCTAGAGGGGCTGATTTTCCCAC-3'
Protein context (NP_149091.1, residues 129-149): NDEAPRFIQE[Pro139Ala]YVALVPEDIP

ClinVar aggregate classification (germline): Uncertain significance. Review status: criteria provided, multiple submitters, no conflicts (2 of 4 stars). 3 submissions from 3 submitters: Uncertain significance (3). Last evaluated 2025-02-03.

Allele frequency attached by ClinVar (database versions not stated): ExAC 0.00005; gnomAD exomes 0.00006; gnomAD 0.00019 and 0.00020; TOPMed 0.00027; 1000 Genomes Project 0.00060; 1000 Genomes Project 30x 0.00062.
gnomAD v4.1: 85 of 1,551,294 alleles (0.0055%); highest among the groups gnomAD compares: African/African-American, 0.064%; no homozygotes.

Submissions (3):

Labcorp Genetics (formerly Invitae), Labcorp
Classification: Uncertain significance. Last evaluated: 2025-02-03. Review status: criteria provided, single submitter. Criteria: Invitae Variant Classification Sherloc (09022015). Collection method: clinical testing. Allele origin: germline.
Comment: This sequence change replaces proline, which is neutral and non-polar, with alanine, which is neutral and non-polar, at codon 139 of the CDHR1 protein (p.Pro139Ala). This variant is present in population databases (rs192282380, gnomAD 0.04%). This missense change has been observed in individual(s) with clinical features of inherited retinal dystrophy (internal data). ClinVar contains an entry for this variant (Variation ID: 423067). Invitae Evidence Modeling of protein sequence and biophysical properties (such as structural, functional, and spatial information, amino acid conservation, physicochemical variation, residue mobility, and thermodynamic stability) indicates that this missense variant is not expected to disrupt CDHR1 protein function with a negative predictive value of 80%. In summary, the available evidence is currently insufficient to determine the role of this variant in disease. Therefore, it has been classified as a Variant of Uncertain Significance.

Blueprint Genetics
Classification: Uncertain significance. Last evaluated: 2024-07-24. Review status: criteria provided, single submitter. Criteria: ACMG Guidelines, 2015. Collection method: clinical testing. Allele origin: germline.

GeneDx
Classification: Uncertain significance. Last evaluated: 2017-02-02. Review status: criteria provided, single submitter. Criteria: GeneDx Variant Classification (06012015). Collection method: clinical testing. Allele origin: germline. Affected: yes.
Comment: The P139A variant in the CDHR1 gene has not been reported previously as a pathogenic variant, nor as a benign variant, to our knowledge. The P139A variant is not observed at a significant frequency in large population cohorts (Lek et al., 2016; 1000 Genomes Consortium et al., 2015; Exome Variant Server). The P139A variant is a semi-conservative amino acid substitution, which may impact secondary protein structure as these residues differ in some properties. This substitution occurs at a position that is conserved across species. In silico analysis predicts this variant is probably damaging to the protein structure/function. We interpret P139A as a variant of uncertain significance.